The following is an entry in ClinVar:

NM_030662.4(MAP2K2):c.305T>C (p.Leu102Pro)

Gene: MAP2K2 (mitogen-activated protein kinase kinase 2; minus strand). Cytogenetic location: 19p13.3.
Variant type: single nucleotide variant.
Coding change: c.305T>C on transcript NM_030662.4 (MANE Select); coding-DNA position 305, T replaced by C.
Protein change: p.Leu102Pro; replaces leucine 102 with proline.
Molecular consequence: missense variant.
Genome position (GRCh38, 1-based): chr19:4,110,654, A>G on the plus strand (T>C on the coding strand, the complement: MAP2K2 is on the minus strand). VCF-style: chr19-4110654-A-G. GRCh37 (hg19) VCF-style: chr19-4110652-A-G.
Other names: short protein forms L102P.
Identifiers: ClinVar variation 2913560 (VCV002913560.4), dbSNP rs1304984012, ClinGen allele CA403391783.

ClinVar aggregate classification (germline): Uncertain significance. Review status: criteria provided, multiple submitters, no conflicts (2 of 4 stars). 2 submissions from 2 submitters: Uncertain significance (2). Last evaluated 2025-08-03.

Conditions:
Cardiovascular phenotype. Identifiers: MedGen CN230736.
RASopathy. Also called: rasopathies; Noonan spectrum disorder. Identifiers: Orphanet 536391, MedGen C5555857, MONDO:0021060.

Allele frequency attached by ClinVar (database versions not stated): TOPMed below 0.00001; gnomAD 0.00001; gnomAD exomes below 0.00001.
gnomAD v4.1: 3 of 1,611,930 alleles (0.00019%); highest among the groups gnomAD compares: African/African-American, 0.0013%; no homozygotes.

Submissions (2):

Ambry Genetics
Classification: Uncertain significance for Cardiovascular phenotype. Last evaluated: 2025-08-03. Review status: criteria provided, single submitter. Criteria: Ambry Variant Classification Scheme 2023. Collection method: clinical testing. Allele origin: germline.
Comment: The p.L102P variant (also known as c.305T>C), located in coding exon 3 of the MAP2K2 gene, results from a T to C substitution at nucleotide position 305. The leucine at codon 102 is replaced by proline, an amino acid with similar properties. This amino acid position is conserved. In addition, this alteration is predicted to be deleterious by in silico analysis. Based on the available evidence, the clinical significance of this variant remains unclear.

Labcorp Genetics (formerly Invitae), Labcorp
Classification: Uncertain significance for RASopathy. Last evaluated: 2025-02-05. Review status: criteria provided, single submitter. Criteria: Invitae Variant Classification Sherloc (09022015). Collection method: clinical testing. Allele origin: germline.
Comment: This sequence change replaces leucine, which is neutral and non-polar, with proline, which is neutral and non-polar, at codon 102 of the MAP2K2 protein (p.Leu102Pro). This variant is not present in population databases (gnomAD no frequency). This variant has not been reported in the literature in individuals affected with MAP2K2-related conditions. ClinVar contains an entry for this variant (Variation ID: 2913560). An algorithm developed to predict the effect of missense changes on protein structure and function (PolyPhen-2) suggests that this variant is likely to be disruptive. In summary, the available evidence is currently insufficient to determine the role of this variant in disease. Therefore, it has been classified as a Variant of Uncertain Significance.